The following is an entry in ClinVar:

ClinVar aggregate classification (germline): Conflicting classifications of pathogenicity. Review status: criteria provided, conflicting classifications (1 of 4 stars). 4 submissions from 3 submitters: Uncertain significance (3); Likely benign (1). Last evaluated 2025-08-27.

Conditions:
Type 2 collagenopathy. Identifiers: Orphanet 93421, MedGen C2931073, MONDO:0022800.
Stickler syndrome type 1 (STL1). Also called: ARTHROOPHTHALMOPATHY, HEREDITARY PROGRESSIVE; STICKLER SYNDROME, MEMBRANOUS VITREOUS TYPE; STICKLER SYNDROME, VITREOUS TYPE 1; COL2A1-Related Stickler Syndrome. Identifiers: Orphanet 828, Orphanet 90653, MedGen C2020284, MONDO:0007160, OMIM 108300.

Allele frequency attached by ClinVar (database versions not stated): TOPMed 0.00001; gnomAD 0.00002 and 0.00003; gnomAD exomes 0.00003 and 0.00004; ExAC 0.00004; 1000 Genomes Project 30x 0.00016; 1000 Genomes Project 0.00020.
gnomAD v4.1: 47 of 1,614,198 alleles (0.0029%); highest among the groups gnomAD compares: South Asian, 0.019%; 1 homozygote.

Submissions (4):

GeneDx
Classification: Uncertain significance. Last evaluated: 2025-08-27. Review status: criteria provided, single submitter. Criteria: GeneDx Variant Classification Process June 2021. Collection method: clinical testing. Allele origin: germline. Affected: yes.
Comment: In silico analysis supports that this missense variant has a deleterious effect on protein structure/function; Not located in the triple helical region, where the majority of pathogenic missense variants occur (HGMD); Has not been previously published as pathogenic or benign to our knowledge

Labcorp Genetics (formerly Invitae), Labcorp
Classification: Likely benign. Last evaluated: 2024-11-03. Review status: criteria provided, single submitter. Criteria: Invitae Variant Classification Sherloc (09022015). Collection method: clinical testing. Allele origin: germline.

Illumina Laboratory Services, Illumina
Classification: Uncertain significance for Type II Collagenopathies. Last evaluated: 2018-01-12. Review status: criteria provided, single submitter. Criteria: ICSL Variant Classification Criteria 13 December 2019. Collection method: clinical testing. Allele origin: germline.

Illumina Laboratory Services, Illumina
Classification: Uncertain significance for Stickler syndrome type 1. Last evaluated: 2018-01-12. Review status: criteria provided, single submitter. Criteria: ICSL Variant Classification Criteria 13 December 2019. Collection method: clinical testing. Allele origin: germline.

NM_001844.5(COL2A1):c.4250A>G (p.Asn1417Ser)

Gene: COL2A1 (collagen type II alpha 1 chain; minus strand). Cytogenetic location: 12q13.11.
Variant type: single nucleotide variant.
Coding change: c.4250A>G on transcript NM_001844.5 (MANE Select); coding-DNA position 4250, A replaced by G.
Protein change: p.Asn1417Ser; replaces asparagine 1417 with serine.
Molecular consequence: missense variant.
Genome position (GRCh38, 1-based): chr12:47,974,156, T>C on the plus strand (A>G on the coding strand, the complement: COL2A1 is on the minus strand). VCF-style: chr12-47974156-T-C. GRCh37 (hg19) VCF-style: chr12-48367939-T-C.
Other names: c.4043A>G, p.Asn1348Ser (NM_033150.3); short protein forms N1417S, N1348S.
Identifiers: ClinVar variation 308905 (VCV000308905.19), dbSNP rs537186508, ClinGen allele CA6534514.